The following is an entry in ClinVar:

ClinVar aggregate classification (germline): Likely benign (1 of 4 stars; one submission).

gnomAD v4.1: 38 of 1,609,654 alleles (0.0024%); highest among the groups gnomAD compares: East Asian, 0.011%; no homozygotes.

Submission:

CeGaT Center for Human Genetics Tuebingen
Classification: Likely benign. Last evaluated: 2026-02-01. Review status: criteria provided, single submitter. Criteria: CeGaT Center For Human Genetics Tuebingen Variant Classification Criteria Version 2. Collection method: clinical testing. Allele origin: germline. Affected: yes. Observed: 1 variant allele.
Comment: JAG2: BP4, BP7

NM_002226.5(JAG2):c.1776C>T (p.Asp592=)

Gene: JAG2 (jagged canonical Notch ligand 2; minus strand). Cytogenetic location: 14q32.33.
Variant type: single nucleotide variant.
Coding change: c.1776C>T on transcript NM_002226.5 (MANE Select); coding-DNA position 1776, C replaced by T.
Protein change: p.Asp592=; no amino-acid change (aspartic acid 592 retained).
Molecular consequence: synonymous variant.
Genome position (GRCh38, 1-based): chr14:105,149,067, G>A on the plus strand (C>T on the coding strand, the complement: JAG2 is on the minus strand). VCF-style: chr14-105149067-G-A. GRCh37 (hg19) VCF-style: chr14-105615404-G-A.
Other names: c.1662C>T, p.Asp554= (NM_145159.3).
Identifiers: ClinVar variation 4822183 (VCV004822183.4).
Genomic context (GRCh38, chr14:105,149,067, plus strand): 5'-GCAGCGTCCATGGGGGCCACACACGCCGGAGGCTGCTGTGCCAGGCATCCCAGGCCCCGC[G>A]TCTGACCCGCAGCCATCGATCACTATGGCAGGCAGTACAGTCAGGAGTCAGGCCCGCCCC-3'
Protein context (NP_002217.3, residues 582-602): ACRVIDGCGS[Asp592=]AGPGMPGTAA